The following is an entry in ClinVar:

ClinVar aggregate classification (germline): Pathogenic (1 of 4 stars; one submission).

Submission:

GeneDx
Classification: Pathogenic. Last evaluated: 2025-04-21. Review status: criteria provided, single submitter. Criteria: GeneDx Variant Classification Process June 2021. Collection method: clinical testing. Allele origin: germline. Affected: yes.
Comment: Frameshift variant predicted to result in protein truncation or nonsense mediated decay in a gene for which loss of function is a known mechanism of disease; Not observed at significant frequency in large population cohorts (gnomAD); This variant is associated with the following publications: (PMID: 35904121)

NM_001282531.3(ADNP):c.103dup (p.Ile35fs)

Gene: ADNP (activity dependent neuroprotector homeobox; minus strand). Cytogenetic location: 20q13.13.
Variant type: Duplication.
Coding change: c.103dup on transcript NM_001282531.3 (MANE Select); coding-DNA position 103, one base duplicated (A; older notation c.103dupA).
Protein change: p.Ile35fs; shifts the reading frame from isoleucine 35.
Molecular consequence: frameshift variant. On other transcripts: intron variant (1).
Genome position (GRCh38, 1-based): chr20:50,903,894, T duplicated on the plus strand (A on the coding strand, the reverse complement: ADNP is on the minus strand). VCF-style (leftmost placement, unchanged base first): chr20-50903893-A-AT. GRCh37 (hg19) VCF-style: chr20-49520430-A-AT.
Other names: c.103dup, p.Ile35fs (NM_001282532.2, NM_001347511.2, NM_015339.5 and 1 more transcripts); c.319dup, p.Ile107fs (NM_001439000.1); c.-576-1785dup (NM_001439001.1); short protein forms I107fs, I35fs.
Identifiers: ClinVar variation 4527037 (VCV004527037.1).
Genomic context (GRCh38, chr20:50,903,893, plus strand): 5'-AAGTAATGGATCAGAAGCTGAGTCATGTTAAAATTTAAAAATGACATGCTACTTACTTCT[A>AT]TATGTTCTTTACAGTATTCCAACCCAATGTCACTAAGTATTTTTTTCACAGTTTTCCGGG-3'